The following is an entry in ClinVar:

ClinVar aggregate classification (germline): Uncertain significance (1 of 4 stars; one submission).

Conditions:
Dyskeratosis congenita. Identifiers: Orphanet 1775, MedGen C0265965, MONDO:0015780.

Submission:

Labcorp Genetics (formerly Invitae), Labcorp
Classification: Uncertain significance for Dyskeratosis congenita. Last evaluated: 2025-06-18. Review status: criteria provided, single submitter. Criteria: Invitae Variant Classification Sherloc (09022015). Collection method: clinical testing. Allele origin: germline.
Comment: This sequence change replaces valine, which is neutral and non-polar, with leucine, which is neutral and non-polar, at codon 6 of the TINF2 protein (p.Val6Leu). This variant is not present in population databases (gnomAD no frequency). This variant has not been reported in the literature in individuals affected with TINF2-related conditions. ClinVar contains an entry for this variant (Variation ID: 2885288). An algorithm developed to predict the effect of missense changes on protein structure and function (PolyPhen-2) suggests that this variant is likely to be tolerated. In summary, the available evidence is currently insufficient to determine the role of this variant in disease. Therefore, it has been classified as a Variant of Uncertain Significance.

NM_001099274.3(TINF2):c.16G>C (p.Val6Leu)

Gene: TINF2 (TERF1 interacting nuclear factor 2; minus strand). Cytogenetic location: 14q12.
Variant type: single nucleotide variant.
Coding change: c.16G>C on transcript NM_001099274.3 (MANE Select); coding-DNA position 16, G replaced by C.
Protein change: p.Val6Leu; replaces valine 6 with leucine.
Molecular consequence: missense variant.
Genome position (GRCh38, 1-based): chr14:24,242,317, C>G on the plus strand (G>C on the coding strand, the complement: TINF2 is on the minus strand). VCF-style: chr14-24242317-C-G. GRCh37 (hg19) VCF-style: chr14-24711523-C-G.
Other names: c.16G>C, p.Val6Leu (NM_001363668.2, NM_012461.3); short protein forms V6L.
Identifiers: ClinVar variation 2885288 (VCV002885288.3), dbSNP rs2502468781, ClinGen allele CA389236984.